The following is an entry in ClinVar:

ClinVar aggregate classification (germline): Uncertain significance. Review status: criteria provided, multiple submitters, no conflicts (2 of 4 stars). 3 submissions from 3 submitters: Uncertain significance (3). Last evaluated 2025-05-31.

Conditions:
Hereditary cancer-predisposing syndrome. Also called: Hereditary neoplastic syndrome; Neoplastic Syndromes, Hereditary; Tumor predisposition; Hereditary Cancer Syndrome. Identifiers: Orphanet 140162, MedGen C0027672, MeSH D009386, MONDO:0015356.
Fanconi anemia complementation group J. Also called: BRIP1-Related Fanconi Anemia. Identifiers: Orphanet 84, MedGen C1836860, MONDO:0012187, OMIM 609054.
Familial cancer of breast. Also called: BREAST CANCER, FAMILIAL; Hereditary breast cancer; hereditary breast carcinoma. Identifiers: Orphanet 227535, MedGen C0346153, MONDO:0016419, OMIM 114480. Disease mechanism: loss of function.

Allele frequency attached by ClinVar (database versions not stated): TOPMed below 0.00001.

Submissions (3):

Ambry Genetics
Classification: Uncertain significance for Hereditary cancer-predisposing syndrome. Last evaluated: 2025-05-31. Review status: criteria provided, single submitter. Criteria: Ambry Variant Classification Scheme 2023. Collection method: clinical testing. Allele origin: germline.
Comment: The p.M1041V variant (also known as c.3121A>G), located in coding exon 19 of the BRIP1 gene, results from an A to G substitution at nucleotide position 3121. The methionine at codon 1041 is replaced by valine, an amino acid with highly similar properties. This amino acid position is not well conserved in available vertebrate species. In addition, this alteration is predicted to be tolerated by in silico analysis. Since supporting evidence is limited at this time, the clinical significance of this alteration remains unclear.

Color Diagnostics, LLC DBA Color Health
Classification: Uncertain significance for Hereditary cancer-predisposing syndrome. Last evaluated: 2023-12-05. Review status: criteria provided, single submitter. Criteria: ACMG Guidelines, 2015. Collection method: clinical testing. Allele origin: germline.
Comment: This missense variant replaces methionine with valine at codon 1041 of the BRIP1 protein. Computational prediction suggests that this variant may not impact protein structure and function (internally defined REVEL score threshold <= 0.5, PMID: 27666373). To our knowledge, functional studies have not been reported for this variant. This variant has not been reported in individuals affected with BRIP1-related disorders in the literature. This variant has not been identified in the general population by the Genome Aggregation Database (gnomAD). The available evidence is insufficient to determine the role of this variant in disease conclusively. Therefore, this variant is classified as a Variant of Uncertain Significance.

Labcorp Genetics (formerly Invitae), Labcorp
Classification: Uncertain significance for Familial cancer of breast; Fanconi anemia complementation group J. Last evaluated: 2022-06-16. Review status: criteria provided, single submitter. Criteria: Invitae Variant Classification Sherloc (09022015). Collection method: clinical testing. Allele origin: germline.
Comment: This sequence change replaces methionine, which is neutral and non-polar, with valine, which is neutral and non-polar, at codon 1041 of the BRIP1 protein (p.Met1041Val). In summary, the available evidence is currently insufficient to determine the role of this variant in disease. Therefore, it has been classified as a Variant of Uncertain Significance. Algorithms developed to predict the effect of sequence changes on RNA splicing suggest that this variant may create or strengthen a splice site. Algorithms developed to predict the effect of missense changes on protein structure and function (SIFT, PolyPhen-2, Align-GVGD) all suggest that this variant is likely to be tolerated. ClinVar contains an entry for this variant (Variation ID: 483177). This variant has not been reported in the literature in individuals affected with BRIP1-related conditions. This variant is not present in population databases (gnomAD no frequency).

NM_032043.3(BRIP1):c.3121A>G (p.Met1041Val)

Gene: BRIP1 (BRCA1 interacting DNA helicase 1; minus strand). Cytogenetic location: 17q23.2.
Variant type: single nucleotide variant.
Coding change: c.3121A>G on transcript NM_032043.3 (MANE Select); coding-DNA position 3121, A replaced by G.
Protein change: p.Met1041Val; replaces methionine 1041 with valine.
Molecular consequence: missense variant.
Genome position (GRCh38, 1-based): chr17:61,683,925, T>C on the plus strand (A>G on the coding strand, the complement: BRIP1 is on the minus strand). VCF-style: chr17-61683925-T-C. GRCh37 (hg19) VCF-style: chr17-59761286-T-C.
Other names: short protein forms M1041V.
Identifiers: ClinVar variation 483177 (VCV000483177.21), dbSNP rs1555572831, ClinGen allele CA400479665.